The following is an entry in ClinVar:

NM_014363.6(SACS):c.11035_11036del (p.Leu3679fs)

Gene: SACS (sacsin molecular chaperone; minus strand). Cytogenetic location: 13q12.12.
Variant type: Microsatellite.
Coding change: c.11035_11036del on transcript NM_014363.6 (MANE Select); coding-DNA positions 11035 to 11036, 2 bases deleted (CT; older notation c.11035_11036delCT).
Protein change: p.Leu3679fs; shifts the reading frame from leucine 3679.
Molecular consequence: frameshift variant.
Genome position (GRCh38, 1-based): chr13:23,332,840-23,332,841, AG deleted on the plus strand (CT on the coding strand, the reverse complement: SACS is on the minus strand); deleting any 2 consecutive bases within chr13:23,332,840-23,332,843 gives the same sequence; the c. name uses the placement nearest the transcript's 3' end. VCF-style (leftmost placement, unchanged base first): chr13-23332839-AAG-A. GRCh37 (hg19) VCF-style: chr13-23906978-AAG-A.
Other names: c.10594_10595del, p.Leu3532fs (NM_001278055.2); c.11062_11063del, p.Leu3688fs (NM_001437336.1); short protein forms L3688fs, L3532fs, L3679fs.
Identifiers: ClinVar variation 5004703 (VCV005004703.1).

ClinVar aggregate classification (germline): Pathogenic (1 of 4 stars; one submission).

Conditions:
Charlevoix-Saguenay spastic ataxia (SACS). Also called: AUTOSOMAL RECESSIVE SPASTIC ATAXIA OF CHARLEVOIX-SAGUENAY; Spastic ataxia of Charlevoix-Saguenay; SPASTIC ATAXIA 6, AUTOSOMAL RECESSIVE. Identifiers: Orphanet 98, MedGen C1849140, MONDO:0010041, OMIM 270550.

Submission:

Myriad Genetics, Inc.
Classification: Pathogenic for Charlevoix-Saguenay spastic ataxia. Last evaluated: 2026-05-29. Review status: criteria provided, single submitter. Criteria: Myriad Autosomal Dominant, Autosomal Recessive and X-Linked Classification Criteria (2023). Collection method: clinical testing. Allele origin: unknown.
Comment: NM_014363.4(SACS):c.11035_11036delCT(L3679Yfs*16) is a frameshift variant classified as pathogenic in the context of autosomal recessive spastic ataxia of Charlevoix-Saguenay. L3679Yfs*16 has not been observed in cases with relevant disease. Relevant functional assessments of this variant are not available in the literature. L3679Yfs*16 has not been observed in referenced population frequency databases. In summary, NM_014363.4(SACS):c.11035_11036delCT(L3679Yfs*16) is a frameshift variant in a gene where loss of function is a known mechanism of disease and is predicted to disrupt protein function. Please note: this variant was assessed in the context of healthy population screening.